The following is an entry in ClinVar:

NM_005428.4(VAV1):c.301G>A (p.Asp101Asn)

Gene: VAV1 (vav guanine nucleotide exchange factor 1; plus strand). Cytogenetic location: 19p13.3.
Variant type: single nucleotide variant.
Coding change: c.301G>A on transcript NM_005428.4 (MANE Select); coding-DNA position 301, G replaced by A.
Protein change: p.Asp101Asn; replaces aspartic acid 101 with asparagine.
Molecular consequence: missense variant.
Genome position (GRCh38, 1-based): chr19:6,820,798, G>A. VCF-style: chr19-6820798-G-A. GRCh37 (hg19) VCF-style: chr19-6820809-G-A.
Other names: c.301G>A, p.Asp101Asn (NM_001258206.2, NM_001258207.2); short protein forms D101N.
Identifiers: ClinVar variation 4780105 (VCV004780105.1).

ClinVar aggregate classification (germline): Uncertain significance (1 of 4 stars; one submission).

gnomAD v4.1: 10 of 1,614,078 alleles (0.00062%); highest among the groups gnomAD compares: South Asian, 0.0044%; no homozygotes.

Submission:

Labcorp Genetics (formerly Invitae), Labcorp
Classification: Uncertain significance. Last evaluated: 2025-08-10. Review status: criteria provided, single submitter. Criteria: Invitae Variant Classification Sherloc (09022015). Collection method: clinical testing. Allele origin: germline.
Comment: This sequence change replaces aspartic acid, which is acidic and polar, with asparagine, which is neutral and polar, at codon 101 of the VAV1 protein (p.Asp101Asn). This variant is present in population databases (no rsID available, gnomAD 0.004%). This variant has not been reported in the literature in individuals affected with VAV1-related conditions. An algorithm developed to predict the effect of missense changes on protein structure and function (PolyPhen-2) suggests that this variant is likely to be disruptive. In summary, the available evidence is currently insufficient to determine the role of this variant in disease. Therefore, it has been classified as a Variant of Uncertain Significance.